The following is an entry in ClinVar:

ClinVar aggregate classification (germline): Pathogenic (1 of 4 stars; one submission).

Conditions:
Primary ciliary dyskinesia. Also called: Ciliary dyskinesia. Identifiers: Orphanet 244, MedGen C0008780, MONDO:0016575, HP:0012265.

Submission:

Labcorp Genetics (formerly Invitae), Labcorp
Classification: Pathogenic for Primary ciliary dyskinesia. Last evaluated: 2023-07-14. Review status: criteria provided, single submitter. Criteria: Invitae Variant Classification Sherloc (09022015). Collection method: clinical testing. Allele origin: germline.
Comment: For these reasons, this variant has been classified as Pathogenic. Algorithms developed to predict the effect of sequence changes on RNA splicing suggest that this variant may disrupt the consensus splice site. This variant has not been reported in the literature in individuals affected with DNAH11-related conditions. This variant is not present in population databases (gnomAD no frequency). This sequence change creates a premature translational stop signal (p.Arg892Glyfs*17) in the DNAH11 gene. It is expected to result in an absent or disrupted protein product. Loss-of-function variants in DNAH11 are known to be pathogenic (PMID: 18022865, 20513915, 22184204).

Literature cited by the submitters: PubMed 18022865; PubMed 20513915; PubMed 22184204.

NM_001277115.2(DNAH11):c.2674del (p.Arg892fs)

Gene: DNAH11 (dynein axonemal heavy chain 11; plus strand). Cytogenetic location: 7p15.3.
Variant type: Deletion.
Coding change: c.2674del on transcript NM_001277115.2 (MANE Select); coding-DNA position 2674, one base deleted (A; older notation c.2674delA).
Protein change: p.Arg892fs; shifts the reading frame from arginine 892.
Molecular consequence: frameshift variant.
Genome position (GRCh38, 1-based): chr7:21,599,793, A deleted. VCF-style (leftmost placement, unchanged base first): chr7-21599792-TA-T. GRCh37 (hg19) VCF-style: chr7-21639410-TA-T.
Other names: c.2674delA, p.Arg892Glyfs (NM_003777.3); short protein forms R892fs.
Identifiers: ClinVar variation 2736685 (VCV002736685.3), dbSNP rs2534627208, ClinGen allele CA2697557187.